The following is an entry in ClinVar:

NM_003072.5(SMARCA4):c.340G>T (p.Asp114Tyr)

Gene: SMARCA4 (SWI/SNF related BAF chromatin remodeling complex subunit ATPase 4; plus strand). Cytogenetic location: 19p13.2.
Variant type: single nucleotide variant.
Coding change: c.340G>T on transcript NM_003072.5 (MANE Select); coding-DNA position 340, G replaced by T.
Protein change: p.Asp114Tyr; replaces aspartic acid 114 with tyrosine.
Molecular consequence: missense variant. On other transcripts: non-coding transcript variant (1).
Genome position (GRCh38, 1-based): chr19:10,985,390, G>T. VCF-style: chr19-10985390-G-T. GRCh37 (hg19) VCF-style: chr19-11096066-G-T.
Other names: c.340G>T (NM_001128849.1); c.340G>T, p.Asp114Tyr (NM_001128844.3, NM_001128845.2, NM_001128846.2 and 6 more transcripts); short protein forms D114Y.
Identifiers: ClinVar variation 2880742 (VCV002880742.4), dbSNP rs2145752621, ClinGen allele CA404055353.

ClinVar aggregate classification (germline): Uncertain significance. Review status: criteria provided, multiple submitters, no conflicts (2 of 4 stars). 2 submissions from 2 submitters: Uncertain significance (2). Last evaluated 2025-11-24.

Conditions:
Rhabdoid tumor predisposition syndrome 2 (RTPS2). Identifiers: Orphanet 231108, Orphanet 69077, MedGen C2750074, MONDO:0013224, OMIM 613325.
Hereditary cancer-predisposing syndrome. Also called: Hereditary Cancer Syndrome; Hereditary neoplastic syndrome; Tumor predisposition; Neoplastic Syndromes, Hereditary. Identifiers: Orphanet 140162, MedGen C0027672, MeSH D009386, MONDO:0015356.

Submissions (2):

Ambry Genetics
Classification: Uncertain significance for Hereditary cancer-predisposing syndrome. Last evaluated: 2025-11-24. Review status: criteria provided, single submitter. Criteria: Ambry Variant Classification Scheme 2023. Collection method: clinical testing. Allele origin: germline.

Labcorp Genetics (formerly Invitae), Labcorp
Classification: Uncertain significance for Rhabdoid tumor predisposition syndrome 2. Last evaluated: 2022-11-01. Review status: criteria provided, single submitter. Criteria: Invitae Variant Classification Sherloc (09022015). Collection method: clinical testing. Allele origin: germline.
Comment: This sequence change replaces aspartic acid, which is acidic and polar, with tyrosine, which is neutral and polar, at codon 114 of the SMARCA4 protein (p.Asp114Tyr). This variant is not present in population databases (gnomAD no frequency). This variant has not been reported in the literature in individuals affected with SMARCA4-related conditions. Algorithms developed to predict the effect of missense changes on protein structure and function (SIFT, PolyPhen-2, Align-GVGD) all suggest that this variant is likely to be disruptive. In summary, the available evidence is currently insufficient to determine the role of this variant in disease. Therefore, it has been classified as a Variant of Uncertain Significance.